The following is an entry in ClinVar:

ClinVar aggregate classification (germline): Uncertain significance (1 of 4 stars; one submission).

gnomAD v4.1: 6 of 1,550,414 alleles (0.00039%); highest among the groups gnomAD compares: Non-Finnish European, 0.00052%; no homozygotes.

Submission:

Labcorp Genetics (formerly Invitae), Labcorp
Classification: Uncertain significance. Last evaluated: 2025-05-19. Review status: criteria provided, single submitter. Criteria: Invitae Variant Classification Sherloc (09022015). Collection method: clinical testing. Allele origin: germline.
Comment: This sequence change replaces glutamine, which is neutral and polar, with lysine, which is basic and polar, at codon 2396 of the ZNF469 protein (p.Gln2396Lys). This variant is not present in population databases (gnomAD no frequency). This variant has not been reported in the literature in individuals affected with ZNF469-related conditions. ClinVar contains an entry for this variant (Variation ID: 2789270). An algorithm developed to predict the effect of missense changes on protein structure and function outputs the following: PolyPhen-2: "Benign". The lysine amino acid residue is found in multiple mammalian species, which suggests that this missense change does not adversely affect protein function. In summary, the available evidence is currently insufficient to determine the role of this variant in disease. Therefore, it has been classified as a Variant of Uncertain Significance.

NM_001367624.2(ZNF469):c.7270C>A (p.Gln2424Lys)

Gene: ZNF469 (zinc finger protein 469; plus strand). Cytogenetic location: 16q24.2.
Variant type: single nucleotide variant.
Coding change: c.7270C>A on transcript NM_001367624.2 (MANE Select); coding-DNA position 7270, C replaced by A.
Protein change: p.Gln2424Lys; replaces glutamine 2424 with lysine.
Molecular consequence: missense variant.
Genome position (GRCh38, 1-based): chr16:88,434,740, C>A. VCF-style: chr16-88434740-C-A. GRCh37 (hg19) VCF-style: chr16-88501148-C-A.
Other names: short protein forms Q2424K.
Identifiers: ClinVar variation 2789270 (VCV002789270.3), dbSNP rs775161092, ClinGen allele CA397109061.